The following is an entry in ClinVar:

NM_001376.5(DYNC1H1):c.3368G>C (p.Trp1123Ser)

Gene: DYNC1H1 (dynein cytoplasmic 1 heavy chain 1; plus strand). Cytogenetic location: 14q32.31.
Variant type: single nucleotide variant.
Coding change: c.3368G>C on transcript NM_001376.5 (MANE Select); coding-DNA position 3368, G replaced by C.
Protein change: p.Trp1123Ser; replaces tryptophan 1123 with serine.
Molecular consequence: missense variant.
Genome position (GRCh38, 1-based): chr14:101,995,020, G>C. VCF-style: chr14-101995020-G-C. GRCh37 (hg19) VCF-style: chr14-102461357-G-C.
Other names: short protein forms W1123S.
Identifiers: ClinVar variation 4682053 (VCV004682053.5).
Genomic context (GRCh38, chr14:101,995,020, plus strand): 5'-TGTGTTGTGTGCTATTTCACCCTCAGGTACAATCTAAGGTGAACTTGAAATATGACTCTT[G>C]GCATAAGGAGGTTCTTAGCAAATTTGGGCAGATGCTAGGATCAAACATGACGGAATTCCA-3'
Protein context (NP_001367.2, residues 1113-1133): QSKVNLKYDS[Trp1123Ser]HKEVLSKFGQ

ClinVar aggregate classification (germline): Uncertain significance (1 of 4 stars; one submission).

Submission:

CeGaT Center for Human Genetics Tuebingen
Classification: Uncertain significance. Last evaluated: 2025-12-01. Review status: criteria provided, single submitter. Criteria: CeGaT Center For Human Genetics Tuebingen Variant Classification Criteria Version 2. Collection method: clinical testing. Allele origin: germline. Affected: yes. Observed: 1 variant allele.
Comment: DYNC1H1: PM2, PP3